The following is an entry in ClinVar:

ClinVar aggregate classification (germline): Uncertain significance (1 of 4 stars; one submission).

Allele frequency attached by ClinVar (database versions not stated): TOPMed below 0.00001; gnomAD 0.00001.
gnomAD v4.1: 1 of 1,614,028 alleles (0.000062%); highest among the groups gnomAD compares: Non-Finnish European, 0.000085%; no homozygotes.

Submission:

Labcorp Genetics (formerly Invitae), Labcorp
Classification: Uncertain significance. Last evaluated: 2021-06-05. Review status: criteria provided, single submitter. Criteria: Invitae Variant Classification Sherloc (09022015). Collection method: clinical testing. Allele origin: germline.
Comment: In summary, the available evidence is currently insufficient to determine the role of this variant in disease. Therefore, it has been classified as a Variant of Uncertain Significance. This sequence change replaces leucine with methionine at codon 229 of the CCBE1 protein (p.Leu229Met). The leucine residue is highly conserved and there is a small physicochemical difference between leucine and methionine. This variant is not present in population databases (ExAC no frequency). This variant has not been reported in the literature in individuals with CCBE1-related conditions. Algorithms developed to predict the effect of missense changes on protein structure and function are either unavailable or do not agree on the potential impact of this missense change (SIFT: "Deleterious"; PolyPhen-2: "Probably Damaging"; Align-GVGD: "Class C0").

NM_133459.4(CCBE1):c.685C>A (p.Leu229Met)

Gene: CCBE1 (collagen and calcium binding EGF domains 1; minus strand). Cytogenetic location: 18q21.32.
Variant type: single nucleotide variant.
Coding change: c.685C>A on transcript NM_133459.4 (MANE Select); coding-DNA position 685, C replaced by A.
Protein change: p.Leu229Met; replaces leucine 229 with methionine.
Molecular consequence: missense variant.
Genome position (GRCh38, 1-based): chr18:59,448,073, G>T on the plus strand (C>A on the coding strand, the complement: CCBE1 is on the minus strand). VCF-style: chr18-59448073-G-T. GRCh37 (hg19) VCF-style: chr18-57115305-G-T.
Other names: short protein forms L229M.
Identifiers: ClinVar variation 1505238 (VCV001505238.8), dbSNP rs1910765837, ClinGen allele CA402596122.